The following is an entry in ClinVar:

ClinVar aggregate classification (germline): Uncertain significance. Review status: criteria provided, multiple submitters, no conflicts (2 of 4 stars). 2 submissions from 2 submitters: Uncertain significance (2). Last evaluated 2025-01-10.

Conditions:
Inborn genetic diseases. Identifiers: MedGen C0950123, MeSH D030342.
GLUT1 deficiency syndrome 1, autosomal recessive. Identifiers: MedGen C3149117.

Allele frequency attached by ClinVar (database versions not stated): gnomAD exomes below 0.00001.
gnomAD v4.1: 3 of 1,614,130 alleles (0.00019%); highest among the groups gnomAD compares: Non-Finnish European, 0.00025%; no homozygotes.

Submissions (2):

Ambry Genetics
Classification: Uncertain significance for Inborn genetic diseases. Last evaluated: 2025-01-10. Review status: criteria provided, single submitter. Criteria: Ambry Variant Classification Scheme 2023. Collection method: clinical testing. Allele origin: germline.

Labcorp Genetics (formerly Invitae), Labcorp
Classification: Uncertain significance for GLUT1 deficiency syndrome 1, autosomal recessive. Last evaluated: 2022-01-26. Review status: criteria provided, single submitter. Criteria: Invitae Variant Classification Sherloc (09022015). Collection method: clinical testing. Allele origin: germline.
Comment: In summary, the available evidence is currently insufficient to determine the role of this variant in disease. Therefore, it has been classified as a Variant of Uncertain Significance. Advanced modeling of protein sequence and biophysical properties (such as structural, functional, and spatial information, amino acid conservation, physicochemical variation, residue mobility, and thermodynamic stability) performed at Invitae indicates that this missense variant is expected to disrupt SLC2A1 protein function. This variant has not been reported in the literature in individuals affected with SLC2A1-related conditions. This variant is not present in population databases (gnomAD no frequency). This sequence change replaces tyrosine, which is neutral and polar, with cysteine, which is neutral and slightly polar, at codon 308 of the SLC2A1 protein (p.Tyr308Cys).

NM_006516.4(SLC2A1):c.923A>G (p.Tyr308Cys)

Gene: SLC2A1 (solute carrier family 2 member 1; minus strand). Cytogenetic location: 1p34.2.
Variant type: single nucleotide variant.
Coding change: c.923A>G on transcript NM_006516.4 (MANE Select); coding-DNA position 923, A replaced by G.
Protein change: p.Tyr308Cys; replaces tyrosine 308 with cysteine.
Molecular consequence: missense variant.
Genome position (GRCh38, 1-based): chr1:42,929,259, T>C on the plus strand (A>G on the coding strand, the complement: SLC2A1 is on the minus strand). VCF-style: chr1-42929259-T-C. GRCh37 (hg19) VCF-style: chr1-43394930-T-C.
Other names: c.923A>G (NM_006516.2); short protein forms Y308C.
Identifiers: ClinVar variation 2417127 (VCV002417127.7), dbSNP rs2524990014, ClinGen allele CA339956664.